The following is an entry in ClinVar:

NM_000077.5(CDKN2A):c.62C>T (p.Ala21Val)

Gene: CDKN2A (cyclin dependent kinase inhibitor 2A; minus strand). Cytogenetic location: 9p21.3.
Variant type: single nucleotide variant.
Coding change: c.62C>T on transcript NM_000077.5; coding-DNA position 62, C replaced by T.
Protein change: p.Ala21Val; replaces alanine 21 with valine.
Molecular consequence: missense variant (on NM_000077.6). On other transcripts: intron variant (2).
Genome position (GRCh38, 1-based): chr9:21,974,766, G>A on the plus strand (C>T on the coding strand, the complement: CDKN2A is on the minus strand). VCF-style: chr9-21974766-G-A. GRCh37 (hg19) VCF-style: chr9-21974765-G-A.
Other names: c.62C>T, p.Ala21Val (NM_000077.6, NM_001195132.2, NM_058197.5); c.-3-3558C>T (NM_001363763.2); c.194-3558C>T (NM_058195.4); short protein forms A21V.
Identifiers: ClinVar variation 631322 (VCV000631322.10), dbSNP rs1329324238, ClinGen allele CA373086627.

ClinVar aggregate classification (germline): Uncertain significance. Review status: criteria provided, multiple submitters, no conflicts (2 of 4 stars). 3 submissions from 3 submitters: Uncertain significance (3). Last evaluated 2025-09-24.

Conditions:
Familial melanoma. Also called: Hereditary melanoma; Hereditary cutaneous melanoma. Identifiers: Orphanet 618, MedGen C1512419, MONDO:0018961.
Hereditary cancer-predisposing syndrome. Also called: Tumor predisposition; Neoplastic Syndromes, Hereditary; Hereditary Cancer Syndrome; Hereditary neoplastic syndrome. Identifiers: Orphanet 140162, MedGen C0027672, MeSH D009386, MONDO:0015356.

Submissions (3):

Ambry Genetics
Classification: Uncertain significance for Hereditary cancer-predisposing syndrome. Last evaluated: 2025-09-24. Review status: criteria provided, single submitter. Criteria: Ambry Variant Classification Scheme 2023. Collection method: clinical testing. Allele origin: germline.
Comment: The p.A21V variant (also known as c.62C>T), located in coding exon 1 of the CDKN2A gene, results from a C to T substitution at nucleotide position 62. The alanine at codon 21 is replaced by valine, an amino acid with similar properties. This amino acid position is highly conserved in available vertebrate species. In addition, the in silico prediction for this alteration is inconclusive. Since supporting evidence is limited at this time, the clinical significance of this alteration remains unclear.

Labcorp Genetics (formerly Invitae), Labcorp
Classification: Uncertain significance for Familial melanoma. Last evaluated: 2023-12-18. Review status: criteria provided, single submitter. Criteria: Invitae Variant Classification Sherloc (09022015). Collection method: clinical testing. Allele origin: germline.
Comment: This sequence change replaces alanine, which is neutral and non-polar, with valine, which is neutral and non-polar, at codon 21 of the CDKN2A (p16INK4a) protein (p.Ala21Val). This variant is not present in population databases (gnomAD no frequency). This variant has not been reported in the literature in individuals affected with CDKN2A (p16INK4a)-related conditions. ClinVar contains an entry for this variant (Variation ID: 631322). An algorithm developed to predict the effect of missense changes on protein structure and function (PolyPhen-2) suggests that this variant is likely to be tolerated. In summary, the available evidence is currently insufficient to determine the role of this variant in disease. Therefore, it has been classified as a Variant of Uncertain Significance.

Color Diagnostics, LLC DBA Color Health
Classification: Uncertain significance for Hereditary cancer-predisposing syndrome. Last evaluated: 2018-08-09. Review status: criteria provided, single submitter. Criteria: ACMG Guidelines, 2015. Collection method: clinical testing. Allele origin: germline.